The following is an entry in ClinVar:

ClinVar aggregate classification (germline): Uncertain significance. Review status: criteria provided, multiple submitters, no conflicts (2 of 4 stars). 2 submissions from 2 submitters: Uncertain significance (2). Last evaluated 2024-06-28.

Allele frequency attached by ClinVar (database versions not stated): TOPMed 0.00002; ExAC 0.00004; gnomAD 0.00004; ESP Exome Variant Server 0.00008; 1000 Genomes Project 30x 0.00031; 1000 Genomes Project 0.00040.
gnomAD v4.1: 14 of 1,614,064 alleles (0.00087%); highest among the groups gnomAD compares: East Asian, 0.018%; no homozygotes.

Submissions (2):

Blueprint Genetics
Classification: Uncertain significance. Last evaluated: 2024-06-28. Review status: criteria provided, single submitter. Criteria: ACMG Guidelines, 2015. Collection method: clinical testing. Allele origin: germline.

Labcorp Genetics (formerly Invitae), Labcorp
Classification: Uncertain significance. Last evaluated: 2022-02-11. Review status: criteria provided, single submitter. Criteria: Invitae Variant Classification Sherloc (09022015). Collection method: clinical testing. Allele origin: germline.
Comment: In summary, the available evidence is currently insufficient to determine the role of this variant in disease. Therefore, it has been classified as a Variant of Uncertain Significance. Algorithms developed to predict the effect of missense changes on protein structure and function are either unavailable or do not agree on the potential impact of this missense change (SIFT: "Deleterious"; PolyPhen-2: "Probably Damaging"; Align-GVGD: "Class C0"). This variant has not been reported in the literature in individuals affected with TRIOBP-related conditions. This variant is present in population databases (rs150426001, gnomAD 0.03%). This sequence change replaces arginine, which is basic and polar, with glutamine, which is neutral and polar, at codon 1876 of the TRIOBP protein (p.Arg1876Gln).

NM_001039141.3(TRIOBP):c.5627G>A (p.Arg1876Gln)

Genes: TRIOBP (TRIO and F-actin binding protein; plus strand), LOC126863145 (CDK7 strongly-dependent group 2 enhancer GRCh37_chr22:38150829-38152028; plus strand). Cytogenetic location: 22q13.1.
Variant type: single nucleotide variant.
Coding change: c.5627G>A on transcript NM_001039141.3 (MANE Select); coding-DNA position 5627, G replaced by A.
Protein change: p.Arg1876Gln; replaces arginine 1876 with glutamine.
Molecular consequence: missense variant.
Genome position (GRCh38, 1-based): chr22:37,755,599, G>A. VCF-style: chr22-37755599-G-A. GRCh37 (hg19) VCF-style: chr22-38151606-G-A.
Other names: c.488G>A, p.Arg163Gln (NM_007032.5, NM_138632.2); short protein forms R1876Q, R163Q.
Identifiers: ClinVar variation 1944053 (VCV001944053.6), dbSNP rs150426001, ClinGen allele CA10224766.
Genomic context (GRCh38, chr22:37,755,599, plus strand): 5'-TGGCCTTGCAGACCAAGGATGCTGTCTATACCTTGTCGGCCATGACCTCAGGCATCCGGC[G>A]GAACTGGATCGAGGCTCTGAGAAAGACCGTACGTCCAACTTCAGCCCCAGATGTCACCAA-3'
Protein context (NP_001034230.1, residues 1866-1886): TLSAMTSGIR[Arg1876Gln]NWIEALRKTV